The following is an entry in ClinVar:

NM_016122.3(CEP83):c.1915C>G (p.Pro639Ala)

Gene: CEP83 (centrosomal protein 83; minus strand). Cytogenetic location: 12q22.
Variant type: single nucleotide variant.
Coding change: c.1915C>G on transcript NM_016122.3 (MANE Select); coding-DNA position 1915, C replaced by G.
Protein change: p.Pro639Ala; replaces proline 639 with alanine.
Molecular consequence: missense variant. On other transcripts: non-coding transcript variant (2).
Genome position (GRCh38, 1-based): chr12:94,310,004, G>C on the plus strand (C>G on the coding strand, the complement: CEP83 is on the minus strand). VCF-style: chr12-94310004-G-C. GRCh37 (hg19) VCF-style: chr12-94703780-G-C.
Other names: c.1915C>G, p.Pro639Ala (NM_001042399.2, NM_001346457.2, NM_001368037.1 and 1 more transcripts); c.1603C>G, p.Pro535Ala (NM_001346458.2, NM_001346459.2, NM_001368039.1 and 1 more transcripts); c.1690C>G, p.Pro564Ala (NM_001368041.1); short protein forms P535A, P564A, P639A.
Identifiers: ClinVar variation 1717556 (VCV001717556.3), dbSNP rs112877562, ClinGen allele CA6721525.

ClinVar aggregate classification (germline): Uncertain significance (1 of 4 stars; one submission).

Conditions:
Nephronophthisis 18 (NPHP18). Identifiers: Orphanet 655, MedGen C3890591, MONDO:0014374, OMIM 615862.

Allele frequency attached by ClinVar (database versions not stated): gnomAD exomes below 0.00001; ExAC 0.00001.
gnomAD v4.1: 1 of 1,612,278 alleles (0.000062%); highest among the groups gnomAD compares: East Asian, 0.0022%; no homozygotes.

Submission:

Labcorp Genetics (formerly Invitae), Labcorp
Classification: Uncertain significance for Nephronophthisis 18. Last evaluated: 2022-08-22. Review status: criteria provided, single submitter. Criteria: Invitae Variant Classification Sherloc (09022015). Collection method: clinical testing. Allele origin: germline.
Comment: This sequence change replaces proline, which is neutral and non-polar, with alanine, which is neutral and non-polar, at codon 639 of the CEP83 protein (p.Pro639Ala). This variant is present in population databases (rs112877562, gnomAD 0.01%). This variant has not been reported in the literature in individuals affected with CEP83-related conditions. Algorithms developed to predict the effect of missense changes on protein structure and function are either unavailable or do not agree on the potential impact of this missense change (SIFT: "Not Available"; PolyPhen-2: "Probably Damaging"; Align-GVGD: "Not Available"). In summary, the available evidence is currently insufficient to determine the role of this variant in disease. Therefore, it has been classified as a Variant of Uncertain Significance.